The following is an entry in ClinVar:

NM_032043.3(BRIP1):c.2821A>T (p.Ile941Leu)

Gene: BRIP1 (BRCA1 interacting DNA helicase 1; minus strand). Cytogenetic location: 17q23.2.
Variant type: single nucleotide variant.
Coding change: c.2821A>T on transcript NM_032043.3 (MANE Select); coding-DNA position 2821, A replaced by T.
Protein change: p.Ile941Leu; replaces isoleucine 941 with leucine.
Molecular consequence: missense variant.
Genome position (GRCh38, 1-based): chr17:61,685,920, T>A on the plus strand (A>T on the coding strand, the complement: BRIP1 is on the minus strand). VCF-style: chr17-61685920-T-A. GRCh37 (hg19) VCF-style: chr17-59763281-T-A.
Other names: short protein forms I941L.
Identifiers: ClinVar variation 5033425 (VCV005033425.1).

ClinVar aggregate classification (germline): Uncertain significance (1 of 4 stars; one submission).

Conditions:
Hereditary cancer-predisposing syndrome. Also called: Neoplastic Syndromes, Hereditary; Tumor predisposition; Hereditary neoplastic syndrome; Hereditary Cancer Syndrome. Identifiers: Orphanet 140162, MedGen C0027672, MeSH D009386, MONDO:0015356.

Submission:

Ambry Genetics
Classification: Uncertain significance for Hereditary cancer-predisposing syndrome. Last evaluated: 2026-07-13. Review status: criteria provided, single submitter. Criteria: Ambry Variant Classification Scheme 2023. Collection method: clinical testing. Allele origin: germline.
Comment: The p.I941L variant (also known as c.2821A>T), located in coding exon 18 of the BRIP1 gene, results from an A to T substitution at nucleotide position 2821. The isoleucine at codon 941 is replaced by leucine, an amino acid with highly similar properties. This amino acid position is conserved. In addition, this alteration is predicted to be tolerated by in silico analysis. Based on the available evidence, the clinical significance of this variant remains unclear.